The following is an entry in ClinVar:

ClinVar aggregate classification (germline): Conflicting classifications of pathogenicity. Review status: criteria provided, conflicting classifications (1 of 4 stars). 6 submissions from 6 submitters: Uncertain significance (5); Likely benign (1). Last evaluated 2026-01-19.

Conditions:
RYR1-related disorder. Also called: RYR1-related disorders; RYR1-related condition. Identifiers: MedGen CN239331.
Malignant hyperthermia, susceptibility to, 1 (MHS1). Also called: Malignant hyperthermia suceptibility 1; Anesthesia related hyperthermia; Malignant hyperpyrexia; Fulminating hyperpyrexia; Pharmacogenic myopathy; RYR1-Related Malignant Hyperthermia Susceptibility. Identifiers: Orphanet 423, MedGen C2930980, MONDO:0007783, OMIM 145600.

Allele frequency attached by ClinVar (database versions not stated): gnomAD exomes 0.00003 and 0.00004; ExAC 0.00010; gnomAD 0.00013; ESP Exome Variant Server 0.00015; TOPMed 0.00022.
gnomAD v4.1: 65 of 1,612,878 alleles (0.004%); highest among the groups gnomAD compares: African/African-American, 0.057%; no homozygotes.

Submissions (6):

Labcorp Genetics (formerly Invitae), Labcorp
Classification: Likely benign for RYR1-related disorder. Last evaluated: 2026-01-19. Review status: criteria provided, single submitter. Criteria: Invitae Variant Classification Sherloc (09022015). Collection method: clinical testing. Allele origin: germline.

PreventionGenetics, part of Exact Sciences
Classification: Uncertain significance for RYR1-related condition. Last evaluated: 2025-07-28. Review status: criteria provided, single submitter. Criteria: ACMG Guidelines, 2015. Collection method: clinical testing. Allele origin: germline.
Comment: The RYR1 c.6251G>A variant is predicted to result in the amino acid substitution p.Arg2084Gln. This variant was reported in a large cohort study of individuals undergoing sequencing for RYR1-related disorders (Supplemental Material, Kushnir et al. 2020. PubMed ID: 32236737). This variant is reported in 0.045% of alleles in individuals of African descent in gnomAD. At this time, the clinical significance of this variant is uncertain due to the absence of conclusive functional and genetic evidence.

All of Us Research Program, National Institutes of Health
Classification: Uncertain significance for Malignant hyperthermia, susceptibility to, 1. Last evaluated: 2024-09-23. Review status: criteria provided, single submitter. Criteria: ACMG Guidelines, 2015. Collection method: clinical testing. Allele origin: germline. Inheritance: Autosomal dominant inheritance. Observed: 21 variant alleles, 21 heterozygotes.
Comment: This missense variant replaces arginine with glutamine at codon 2084 of the RYR1 protein. Computational prediction suggests that this variant may not impact protein structure and function (internally defined REVEL score threshold <= 0.5, PMID: 27666373). To our knowledge, functional studies have not been reported for this variant. This variant has not been reported in individuals affected with RYR1-related disorders in the literature. This variant has been identified in 15/279096 chromosomes in the general population by the Genome Aggregation Database (gnomAD). The available evidence is insufficient to determine the role of this variant in disease conclusively. Therefore, this variant is classified as a Variant of Uncertain Significance.

This study involves interpretation of variants in research participants for the purpose of population health screening. Participant phenotype was not available at the time of variant classification. Additional details can be found in publication PMID: 35346344, PMCID: PMC8962531

Revvity Omics, Revvity
Classification: Uncertain significance. Last evaluated: 2024-07-02. Review status: criteria provided, single submitter. Criteria: ACMG Guidelines, 2015. Collection method: clinical testing. Allele origin: germline.

Color Diagnostics, LLC DBA Color Health
Classification: Uncertain significance for Malignant hyperthermia, susceptibility to, 1. Last evaluated: 2024-02-22. Review status: criteria provided, single submitter. Criteria: ACMG Guidelines, 2015. Collection method: clinical testing. Allele origin: germline.
Comment: This missense variant replaces arginine with glutamine at codon 2084 of the RYR1 protein. Computational prediction suggests that this variant may not impact protein structure and function. To our knowledge, functional studies have not been reported for this variant. This variant has not been reported in individuals affected with RYR1-related disorders in the literature. This variant has been identified in 15/279096 chromosomes in the general population by the Genome Aggregation Database (gnomAD). The available evidence is insufficient to determine the role of this variant in disease conclusively. Therefore, this variant is classified as a Variant of Uncertain Significance.

GeneDx
Classification: Uncertain significance. Last evaluated: 2022-07-26. Review status: criteria provided, single submitter. Criteria: GeneDx Variant Classification Process June 2021. Collection method: clinical testing. Allele origin: germline. Affected: yes.
Comment: In silico analysis supports that this missense variant does not alter protein structure/function; Has not been previously published as pathogenic or benign to our knowledge; This variant is associated with the following publications: (PMID: 12668474)

NM_000540.3(RYR1):c.6251G>A (p.Arg2084Gln)

Gene: RYR1 (ryanodine receptor 1; plus strand). Cytogenetic location: 19q13.2.
Variant type: single nucleotide variant.
Coding change: c.6251G>A on transcript NM_000540.3 (MANE Select); coding-DNA position 6251, G replaced by A.
Protein change: p.Arg2084Gln; replaces arginine 2084 with glutamine.
Molecular consequence: missense variant.
Genome position (GRCh38, 1-based): chr19:38,492,613, G>A. VCF-style: chr19-38492613-G-A. GRCh37 (hg19) VCF-style: chr19-38983253-G-A.
Other names: c.6251G>A, p.Arg2084Gln (NM_001042723.2); short protein forms R2084Q.
Identifiers: ClinVar variation 590567 (VCV000590567.21), dbSNP rs143681974, ClinGen allele CA067948.